The following is an entry in ClinVar:

NM_000181.4(GUSB):c.1865T>A (p.Leu622Ter)

Gene: GUSB (glucuronidase beta; minus strand). Cytogenetic location: 7q11.21.
Variant type: single nucleotide variant.
Coding change: c.1865T>A on transcript NM_000181.4 (MANE Select); coding-DNA position 1865, T replaced by A.
Protein change: p.Leu622Ter; replaces leucine 622 with a stop codon.
Molecular consequence: nonsense. On other transcripts: non-coding transcript variant (1).
Genome position (GRCh38, 1-based): chr7:65,960,988, A>T on the plus strand (T>A on the coding strand, the complement: GUSB is on the minus strand). VCF-style: chr7-65960988-A-T. GRCh37 (hg19) VCF-style: chr7-65425975-A-T.
Other names: c.1427T>A, p.Leu476Ter (NM_001284290.2); c.1295T>A, p.Leu432Ter (NM_001293104.2); c.1208T>A, p.Leu403Ter (NM_001293105.2); short protein forms L476*, L622*, L432*, L403*.
Identifiers: ClinVar variation 2847045 (VCV002847045.3), dbSNP rs2484733748, ClinGen allele CA367637311.

ClinVar aggregate classification (germline): Pathogenic (1 of 4 stars; one submission).

Conditions:
Mucopolysaccharidosis type 7 (MPS7). Also called: BETA-GLUCURONIDASE DEFICIENCY; GUSB DEFICIENCY; SLY SYNDROME; MPS VII. Identifiers: Orphanet 584, MedGen C0085132, MONDO:0009662, OMIM 253220.

Submission:

Labcorp Genetics (formerly Invitae), Labcorp
Classification: Pathogenic for Mucopolysaccharidosis type 7. Last evaluated: 2023-03-18. Review status: criteria provided, single submitter. Criteria: Invitae Variant Classification Sherloc (09022015). Collection method: clinical testing. Allele origin: germline.
Comment: This variant is not present in population databases (gnomAD no frequency). This sequence change creates a premature translational stop signal (p.Leu622*) in the GUSB gene. While this is not anticipated to result in nonsense mediated decay, it is expected to disrupt the last 30 amino acid(s) of the GUSB protein. This variant has not been reported in the literature in individuals affected with GUSB-related conditions. This variant disrupts a region of the GUSB protein in which other variant(s) (p.Trp627Cys) have been determined to be pathogenic (PMID: 7680524). This suggests that this is a clinically significant region of the protein, and that variants that disrupt it are likely to be disease-causing. For these reasons, this variant has been classified as Pathogenic.

Literature cited by the submitters: PubMed 7680524.